The following is an entry in ClinVar:

NM_002485.5(NBN):c.1672A>C (p.Ile558Leu)

Gene: NBN (nibrin; minus strand). Cytogenetic location: 8q21.3.
Variant type: single nucleotide variant.
Coding change: c.1672A>C on transcript NM_002485.5 (MANE Select); coding-DNA position 1672, A replaced by C.
Protein change: p.Ile558Leu; replaces isoleucine 558 with leucine.
Molecular consequence: missense variant.
Genome position (GRCh38, 1-based): chr8:89,953,417, T>G on the plus strand (A>C on the coding strand, the complement: NBN is on the minus strand). VCF-style: chr8-89953417-T-G. GRCh37 (hg19) VCF-style: chr8-90965645-T-G.
Other names: c.1426A>C, p.Ile476Leu (NM_001024688.3); short protein forms I558L, I476L.
Identifiers: ClinVar variation 461518 (VCV000461518.27), dbSNP rs876659451, ClinGen allele CA371655352.

ClinVar aggregate classification (germline): Uncertain significance. Review status: criteria provided, multiple submitters, no conflicts (2 of 4 stars). 5 submissions from 5 submitters: Uncertain significance (4). 1 of the submissions does not count toward it. Last evaluated 2025-07-23.

Conditions:
Hereditary cancer-predisposing syndrome. Also called: Hereditary neoplastic syndrome; Neoplastic Syndromes, Hereditary; Tumor predisposition; Hereditary Cancer Syndrome. Identifiers: Orphanet 140162, MedGen C0027672, MeSH D009386, MONDO:0015356.
Microcephaly, normal intelligence and immunodeficiency (NBS). Also called: IMMUNODEFICIENCY, MICROCEPHALY, AND CHROMOSOMAL INSTABILITY; SEEMANOVA SYNDROME II; Nijmegen breakage syndrome; Microcephaly with normal intelligence immunodeficiency and lymphoreticular malignancies; Nonsyndromal microcephaly autosomal recessive with normal intelligence; Seemanova syndrome 2. Identifiers: Orphanet 647, MedGen C0398791, MONDO:0009623, OMIM 251260.

Allele frequency attached by ClinVar (database versions not stated): gnomAD exomes below 0.00001.
gnomAD v4.1: 1 of 1,613,896 alleles (0.000062%); highest among the groups gnomAD compares: African/African-American, 0.0013%; no homozygotes.

Submissions (5):

Women's Health and Genetics/Laboratory Corporation of America, LabCorp
Classification: Uncertain significance. Last evaluated: 2025-07-23. Review status: criteria provided, single submitter. Criteria: LabCorp Variant Classification Summary - May 2015. Collection method: clinical testing. Allele origin: germline.

Labcorp Genetics (formerly Invitae), Labcorp
Classification: Uncertain significance for Microcephaly, normal intelligence and immunodeficiency. Last evaluated: 2023-11-27. Review status: criteria provided, single submitter. Criteria: Invitae Variant Classification Sherloc (09022015). Collection method: clinical testing. Allele origin: germline.
Comment: This sequence change replaces isoleucine, which is neutral and non-polar, with leucine, which is neutral and non-polar, at codon 558 of the NBN protein (p.Ile558Leu). This variant is not present in population databases (gnomAD no frequency). This variant has not been reported in the literature in individuals affected with NBN-related conditions. ClinVar contains an entry for this variant (Variation ID: 461518). Algorithms developed to predict the effect of missense changes on protein structure and function output the following: SIFT: "Not Available"; PolyPhen-2: "Benign"; Align-GVGD: "Not Available". The leucine amino acid residue is found in multiple mammalian species, which suggests that this missense change does not adversely affect protein function. In summary, the available evidence is currently insufficient to determine the role of this variant in disease. Therefore, it has been classified as a Variant of Uncertain Significance.

Ambry Genetics
Classification: Uncertain significance for Hereditary cancer-predisposing syndrome. Last evaluated: 2023-04-13. Review status: criteria provided, single submitter. Criteria: Ambry Variant Classification Scheme 2023. Collection method: clinical testing. Allele origin: germline.
Comment: The p.I558L variant (also known as c.1672A>C), located in coding exon 11 of the NBN gene, results from an A to C substitution at nucleotide position 1672. The isoleucine at codon 558 is replaced by leucine, an amino acid with highly similar properties. This amino acid position is not well conserved in available vertebrate species. In addition, this alteration is predicted to be tolerated by in silico analysis. Since supporting evidence is limited at this time, the clinical significance of this alteration remains unclear.

Genome-Nilou Lab
Classification: Uncertain significance for Microcephaly, normal intelligence and immunodeficiency. Last evaluated: 2021-11-07. Review status: criteria provided, single submitter. Criteria: ACMG Guidelines, 2015. Collection method: clinical testing. Allele origin: germline. Affected: no.

Natera, Inc.
Classification: Uncertain significance for Nijmegen breakage syndrome. Last evaluated: 2021-10-01. Review status: no assertion criteria provided. Collection method: clinical testing. Allele origin: germline. Not counted in ClinVar's aggregate classification.